The following is an entry in ClinVar:

NM_172364.5(CACNA2D4):c.1331G>C (p.Trp444Ser)

Gene: CACNA2D4 (calcium voltage-gated channel auxiliary subunit alpha2delta 4; minus strand). Cytogenetic location: 12p13.33.
Variant type: single nucleotide variant.
Coding change: c.1331G>C on transcript NM_172364.5 (MANE Select); coding-DNA position 1331, G replaced by C.
Protein change: p.Trp444Ser; replaces tryptophan 444 with serine.
Molecular consequence: missense variant.
Genome position (GRCh38, 1-based): chr12:1,884,263, C>G on the plus strand (G>C on the coding strand, the complement: CACNA2D4 is on the minus strand). VCF-style: chr12-1884263-C-G. GRCh37 (hg19) VCF-style: chr12-1993429-C-G.
Other names: short protein forms W444S.
Identifiers: ClinVar variation 1964688 (VCV001964688.5), dbSNP rs2497236964, ClinGen allele CA383356743.
Genomic context (GRCh38, chr12:1,884,263, plus strand): 5'-CAGGTGCAGGTGGGAAGGTACCTGCTGGCCCGGCACTCACCTTTGTTGTTGCATGCAATC[C>G]ACTTCATGCGGTCAGCAAAAGACACTTCTCTCCCAATGAGGTAAGTGAAAACTCGGACCT-3'
Protein context (NP_758952.4, residues 434-454): REVSFADRMK[Trp444Ser]IACNNKGYYT

ClinVar aggregate classification (germline): Uncertain significance (1 of 4 stars; one submission).

gnomAD v4.1: 5 of 1,612,344 alleles (0.00031%); highest among the groups gnomAD compares: Non-Finnish European, 0.00042%; no homozygotes.

Submission:

Labcorp Genetics (formerly Invitae), Labcorp
Classification: Uncertain significance. Last evaluated: 2022-10-14. Review status: criteria provided, single submitter. Criteria: Invitae Variant Classification Sherloc (09022015). Collection method: clinical testing. Allele origin: germline.
Comment: This variant has not been reported in the literature in individuals affected with CACNA2D4-related conditions. In summary, the available evidence is currently insufficient to determine the role of this variant in disease. Therefore, it has been classified as a Variant of Uncertain Significance. Algorithms developed to predict the effect of missense changes on protein structure and function are either unavailable or do not agree on the potential impact of this missense change (SIFT: "Deleterious"; PolyPhen-2: "Benign"; Align-GVGD: "Class C65"). This variant is not present in population databases (gnomAD no frequency). This sequence change replaces tryptophan, which is neutral and slightly polar, with serine, which is neutral and polar, at codon 444 of the CACNA2D4 protein (p.Trp444Ser).